The following is an entry in ClinVar:

ClinVar aggregate classification (germline): Uncertain significance (1 of 4 stars; one submission).

Conditions:
Hereditary spastic paraplegia 11. Also called: Spastic Paraplegia 11; Spastic paraplegia, mental retardation and thin corpus callosum; Nakamura Osame syndrome; Autosomal recessive hereditary spastic paraplegia, mental impairment, and thin corpus callosum; SPASTIC PARAPLEGIA, AUTOSOMAL RECESSIVE, COMPLICATED, WITH THIN CORPUS CALLOSUM; SPASTIC PARAPLEGIA, AUTOSOMAL RECESSIVE, WITH MENTAL IMPAIRMENT AND THIN CORPUS CALLOSUM. Identifiers: Orphanet 2822, MedGen C1858479, MONDO:0011445, OMIM 604360.

Submission:

Labcorp Genetics (formerly Invitae), Labcorp
Classification: Uncertain significance for Hereditary spastic paraplegia 11. Last evaluated: 2022-04-07. Review status: criteria provided, single submitter. Criteria: Invitae Variant Classification Sherloc (09022015). Collection method: clinical testing. Allele origin: germline.
Comment: In summary, the available evidence is currently insufficient to determine the role of this variant in disease. Therefore, it has been classified as a Variant of Uncertain Significance. This sequence change replaces serine, which is neutral and polar, with asparagine, which is neutral and polar, at codon 1955 of the SPG11 protein (p.Ser1955Asn). This variant is not present in population databases (gnomAD no frequency). This variant has not been reported in the literature in individuals affected with SPG11-related conditions. Algorithms developed to predict the effect of missense changes on protein structure and function are either unavailable or do not agree on the potential impact of this missense change (SIFT: "Deleterious"; PolyPhen-2: "Benign"; Align-GVGD: "Class C0"). Algorithms developed to predict the effect of sequence changes on RNA splicing suggest that this variant may create or strengthen a splice site.

NM_025137.4(SPG11):c.5864G>A (p.Ser1955Asn)

Gene: SPG11 (SPG11 vesicle trafficking associated, spatacsin; minus strand). Cytogenetic location: 15q21.1.
Variant type: single nucleotide variant.
Coding change: c.5864G>A on transcript NM_025137.4 (MANE Select); coding-DNA position 5864, G replaced by A.
Protein change: p.Ser1955Asn; replaces serine 1955 with asparagine.
Molecular consequence: missense variant.
Genome position (GRCh38, 1-based): chr15:44,583,816, C>T on the plus strand (G>A on the coding strand, the complement: SPG11 is on the minus strand). VCF-style: chr15-44583816-C-T. GRCh37 (hg19) VCF-style: chr15-44876014-C-T.
Other names: c.5864G>A, p.Ser1955Asn (NM_001160227.2); c.5720G>A, p.Ser1907Asn (NM_001411132.1); short protein forms S1907N, S1955N.
Identifiers: ClinVar variation 2122519 (VCV002122519.4), dbSNP rs2505289179, ClinGen allele CA392220765.